The following is an entry in ClinVar:

NM_001374353.1(GLI2):c.1393A>T (p.Lys465Ter)

Gene: GLI2 (GLI family zinc finger 2; plus strand). Cytogenetic location: 2q14.2.
Variant type: single nucleotide variant.
Coding change: c.1393A>T on transcript NM_001374353.1 (MANE Select); coding-DNA position 1393, A replaced by T.
Protein change: p.Lys465Ter; replaces lysine 465 with a stop codon.
Molecular consequence: nonsense.
Genome position (GRCh38, 1-based): chr2:120,978,509, A>T. VCF-style: chr2-120978509-A-T. GRCh37 (hg19) VCF-style: chr2-121736085-A-T.
Other names: c.1444A>T, p.Lys482Ter (NM_001371271.1, NM_005270.5); c.1018A>T, p.Lys340Ter (NM_001374354.1); short protein forms K482*, K465*, K340*.
Identifiers: ClinVar variation 2034980 (VCV002034980.4), dbSNP rs1682567886, ClinGen allele CA348161535.
Genomic context (GRCh38, chr2:120,978,509, plus strand): 5'-CACATCCACGGGGAGAAGAAGGAGTTTGTGTGCCGCTGGCAGGCCTGCACGCGGGAGCAG[A>T]AGCCCTTCAAGGCGCAGTACATGCTGGTGGTGCACATGCGGCGACACACGGGCGAGAAGC-3'

ClinVar aggregate classification (germline): Pathogenic (1 of 4 stars; one submission).

Conditions:
Postaxial polydactyly-anterior pituitary anomalies-facial dysmorphism syndrome. Also called: Culler-Jones syndrome. Identifiers: Orphanet 420584, MedGen C4014479, MONDO:0014369, OMIM 615849.
Holoprosencephaly 9 (HPE9). Also called: HOLOPROSENCEPHALY WITH MICROPHTHALMIA AND FIRST BRANCHIAL ARCH ANOMALIES; PITUITARY ANOMALIES WITH HOLOPROSENCEPHALY-LIKE FEATURES. Identifiers: Orphanet 2162, MedGen C1835819, MONDO:0012563, OMIM 610829.

Submission:

Labcorp Genetics (formerly Invitae), Labcorp
Classification: Pathogenic for Postaxial polydactyly-anterior pituitary anomalies-facial dysmorphism syndrome; Holoprosencephaly 9. Last evaluated: 2024-06-03. Review status: criteria provided, single submitter. Criteria: Invitae Variant Classification Sherloc (09022015). Collection method: clinical testing. Allele origin: germline.
Comment: This sequence change creates a premature translational stop signal (p.Lys482*) in the GLI2 gene. It is expected to result in an absent or disrupted protein product. Loss-of-function variants in GLI2 are known to be pathogenic (PMID: 20685856, 24744436). This variant is not present in population databases (gnomAD no frequency). This variant has not been reported in the literature in individuals affected with GLI2-related conditions. ClinVar contains an entry for this variant (Variation ID: 2034980). For these reasons, this variant has been classified as Pathogenic.

Literature cited by the submitters: PubMed 20685856; PubMed 24744436.